The following is an entry in ClinVar:

ClinVar aggregate classification (germline): Likely pathogenic (1 of 4 stars; one submission).

Conditions:
Dilated cardiomyopathy 1G (CMD1G). Identifiers: Orphanet 154, MedGen C1858763, MONDO:0011400, OMIM 604145.

Submission:

Victorian Clinical Genetics Services, Murdoch Childrens Research Institute
Classification: Likely pathogenic for Dilated cardiomyopathy 1G. Last evaluated: 2025-08-18. Review status: criteria provided, single submitter. Criteria: ACMG Guidelines, 2015. Collection method: clinical testing. Allele origin: germline. Affected: yes.
Comment: This variant is classified as Likely pathogenic. Evidence in support of pathogenic classification: Variant is predicted to cause nonsense-mediated decay (NMD) and loss of protein (premature termination codon is located at least 54 nucleotides upstream of the final exon-exon junction); Variant is absent from gnomAD (v2, v3 and v4); Other NMD-predicted variants comparable to the one identified in this case have strong previous evidence for pathogenicity (ClinVar). Additional information: This variant is heterozygous; This gene is associated with both recessive and dominant disease (OMIM); This variant has no previous evidence of pathogenicity; No published evidence of segregation with disease has been identified for this variant; No published functional evidence has been identified for this variant; Variant is located in the annotated M-band and the exon has a PSI score of 100% (PMID: 25589632); Loss of function is a known mechanism of disease in this gene. In addition, dominant negative is also a suggested mechanism (PMID: 25589632); The condition associated with this gene has incomplete penetrance. Variants in this gene that result in a premature termination codon (PTC) are known to have reduced penetrance in DCM (PMID: 25589632); Inheritance information for this variant is not currently available in this individual.

Literature cited by the submitters: PubMed 25589632.

NM_001267550.2(TTN):c.105842del (p.Pro35281fs)

Genes: TTN-AS1 (TTN antisense RNA 1; plus strand), TTN (titin; minus strand), LOC129935183 (ATAC-STARR-seq lymphoblastoid active region 16808; plus strand). Cytogenetic location: 2q31.2.
Variant type: Deletion.
Coding change: c.105842del on transcript NM_001267550.2 (MANE Select); coding-DNA position 105842, one base deleted (C; older notation c.105842delC).
Protein change: p.Pro35281fs; shifts the reading frame from proline 35281.
Molecular consequence: frameshift variant.
Genome position (GRCh38, 1-based): chr2:178,530,773, G deleted on the plus strand (C on the coding strand, the reverse complement: TTN is on the minus strand); the first of 3 consecutive G bases (chr2:178,530,773-178,530,775); deleting any one gives the same sequence. VCF-style (leftmost placement, unchanged base first): chr2-178530772-TG-T. GRCh37 (hg19) VCF-style: chr2-179395499-TG-T.
Other names: c.100919del, p.Pro33640fs (NM_001256850.1); c.78647del, p.Pro26216fs (NM_003319.4); c.98138del, p.Pro32713fs (NM_133378.4); c.79022del, p.Pro26341fs (NM_133432.3); c.79223del, p.Pro26408fs (NM_133437.4); short protein forms P26216fs, P26341fs, P26408fs, P32713fs, P33640fs, P35281fs.
Identifiers: ClinVar variation 4531784 (VCV004531784.1).